The following is an entry in ClinVar:

ClinVar aggregate classification (germline): Pathogenic. Review status: criteria provided, multiple submitters, no conflicts (2 of 4 stars). 2 submissions from 2 submitters: Pathogenic (2). Last evaluated 2025-05-24.

Conditions:
Joubert syndrome 3 (JBTS3). Also called: AHI1-related Ciliopathy. Identifiers: Orphanet 220493, MedGen C1837713, MONDO:0012078, OMIM 608629.
Joubert syndrome. Also called: Familial aplasia of the vermis; JOUBERT-BOLTSHAUSER SYNDROME. Identifiers: Orphanet 475, MedGen C5979921, MONDO:0018772.

Submissions (2):

Myriad Genetics, Inc.
Classification: Pathogenic for Joubert syndrome 3. Last evaluated: 2025-05-24. Review status: criteria provided, single submitter. Criteria: Myriad Autosomal Dominant, Autosomal Recessive and X-Linked Classification Criteria (2023). Collection method: clinical testing. Allele origin: unknown.
Comment: NM_001134831.1(AHI1):c.836delA(D279Vfs*4) is expected to be pathogenic in the context of Joubert syndrome, AHI1-related. This variant is predicted to lead to an abnormal or absent protein product due to the creation of a premature termination codon in AHI1, a gene where loss-of-function variants are known to be pathogenic. Please note: this variant was assessed in the context of healthy population screening.

Labcorp Genetics (formerly Invitae), Labcorp
Classification: Pathogenic for Joubert syndrome. Last evaluated: 2017-11-27. Review status: criteria provided, single submitter. Criteria: Invitae Variant Classification Sherloc (09022015). Collection method: clinical testing. Allele origin: germline.
Comment: For these reasons, this variant has been classified as Pathogenic. Loss-of-function variants in AHI1 are known to be pathogenic (PMID: 15322546, 16453322). This variant has not been reported in the literature in individuals with AHI1-related disease. This variant is not present in population databases (ExAC no frequency). This sequence change creates a premature translational stop signal (p.Asp279Valfs*4) in the AHI1 gene. It is expected to result in an absent or disrupted protein product.

Literature cited by the submitters: PubMed 15322546 (cited by Labcorp Genetics (formerly Invitae), Labcorp); PubMed 16453322 (cited by Labcorp Genetics (formerly Invitae), Labcorp).

NM_001134831.2(AHI1):c.836del (p.Asp279fs)

Gene: AHI1 (Abelson helper integration site 1; minus strand). Cytogenetic location: 6q23.3.
Variant type: Deletion.
Coding change: c.836del on transcript NM_001134831.2 (MANE Select); coding-DNA position 836, one base deleted (A; older notation c.836delA).
Protein change: p.Asp279fs; shifts the reading frame from aspartic acid 279.
Molecular consequence: frameshift variant.
Genome position (GRCh38, 1-based): chr6:135,463,220, T deleted on the plus strand (A on the coding strand, the reverse complement: AHI1 is on the minus strand). VCF-style (leftmost placement, unchanged base first): chr6-135463219-AT-A. GRCh37 (hg19) VCF-style: chr6-135784357-AT-A.
Other names: c.836delA (NM_017651.4); c.836del, p.Asp279fs (NM_001134830.2, NM_001134832.2, NM_001350503.2 and 2 more transcripts); short protein forms D279fs.
Identifiers: ClinVar variation 530888 (VCV000530888.8), dbSNP rs1554214237, ClinGen allele CA658796837.